The following is an entry in ClinVar:

ClinVar aggregate classification (germline): Uncertain significance (1 of 4 stars; one submission).

Conditions:
T-B+ severe combined immunodeficiency due to JAK3 deficiency. Also called: SCID, T CELL-NEGATIVE, B CELL-POSITIVE, NK CELL-NEGATIVE; SCID, autosomal recessive, T-negative/B-positive type. Identifiers: Orphanet 35078, MedGen C1833275, MONDO:0010938, OMIM 600802.

Submission:

Baylor Genetics
Classification: Uncertain significance for T-B+ severe combined immunodeficiency due to JAK3 deficiency. Last evaluated: 2020-06-09. Review status: criteria provided, single submitter. Criteria: ACMG Guidelines, 2015. Collection method: clinical testing. Allele origin: unknown. Affected: yes.
Comment: This variant was determined to be of uncertain significance according to ACMG Guidelines, 2015 [PMID:25741868].

NM_000215.4(JAK3):c.971A>T (p.Asp324Val)

Gene: JAK3 (Janus kinase 3; minus strand). Cytogenetic location: 19p13.11.
Variant type: single nucleotide variant.
Coding change: c.971A>T on transcript NM_000215.4 (MANE Select); coding-DNA position 971, A replaced by T.
Protein change: p.Asp324Val; replaces aspartic acid 324 with valine.
Molecular consequence: missense variant.
Genome position (GRCh38, 1-based): chr19:17,841,653, T>A on the plus strand (A>T on the coding strand, the complement: JAK3 is on the minus strand). VCF-style: chr19-17841653-T-A. GRCh37 (hg19) VCF-style: chr19-17952462-T-A.
Other names: short protein forms D324V.
Identifiers: ClinVar variation 1029718 (VCV001029718.1), dbSNP rs1291046706, ClinGen allele CA404771797.